The following is an entry in ClinVar:

NM_000304.4(PMP22):c.323T>C (p.Leu108Pro)

Gene: PMP22 (peripheral myelin protein 22; minus strand). Cytogenetic location: 17p12.
Variant type: single nucleotide variant.
Coding change: c.323T>C on transcript NM_000304.4 (MANE Select); coding-DNA position 323, T replaced by C.
Protein change: p.Leu108Pro; replaces leucine 108 with proline.
Molecular consequence: missense variant. On other transcripts: non-coding transcript variant (2).
Genome position (GRCh38, 1-based): chr17:15,231,077, A>G on the plus strand (T>C on the coding strand, the complement: PMP22 is on the minus strand). VCF-style: chr17-15231077-A-G. GRCh37 (hg19) VCF-style: chr17-15134394-A-G.
Other names: c.323T>C, p.Leu108Pro (NM_001281455.2, NM_001281456.2, NM_153321.3 and 1 more transcripts); short protein forms L108P.
Identifiers: ClinVar variation 4710319 (VCV004710319.1).

ClinVar aggregate classification (germline): Likely pathogenic (1 of 4 stars; one submission).

Conditions:
Charcot-Marie-Tooth disease, type I (CMT1). Also called: Charcot-Marie-Tooth, Type 1; Charcot-Marie-Tooth disease type 1. Identifiers: Orphanet 65753, MedGen C0751036, MONDO:0019011.

Submission:

Labcorp Genetics (formerly Invitae), Labcorp
Classification: Likely pathogenic for Charcot-Marie-Tooth disease, type I. Last evaluated: 2025-07-14. Review status: criteria provided, single submitter. Criteria: Invitae Variant Classification Sherloc (09022015). Collection method: clinical testing. Allele origin: germline.
Comment: This sequence change replaces leucine, which is neutral and non-polar, with proline, which is neutral and non-polar, at codon 108 of the PMP22 protein (p.Leu108Pro). This variant is not present in population databases (gnomAD no frequency). This missense change has been observed in individuals with clinical features of PMP22-related conditions (PMID: 18592125, 35886002; internal data). It has also been observed to segregate with disease in related individuals. An algorithm developed to predict the effect of missense changes on protein structure and function (PolyPhen-2) suggests that this variant is likely to be disruptive. In summary, the currently available evidence indicates that the variant is pathogenic, but additional data are needed to prove that conclusively. Therefore, this variant has been classified as Likely Pathogenic.

Literature cited by the submitters: PubMed 18592125; PubMed 35886002.